The following is an entry in ClinVar:

ClinVar aggregate classification (germline): Uncertain significance (1 of 4 stars; one submission).

Conditions:
Malignant hyperthermia, susceptibility to, 5 (MHS5). Also called: CACNA1S-Related Malignant Hyperthermia Susceptibility. Identifiers: Orphanet 423, MedGen C1866077, MONDO:0011163, OMIM 601887.

Submission:

All of Us Research Program, National Institutes of Health
Classification: Uncertain significance for Malignant hyperthermia, susceptibility to, 5. Last evaluated: 2023-10-23. Review status: criteria provided, single submitter. Criteria: ACMG Guidelines, 2015. Collection method: clinical testing. Allele origin: germline. Inheritance: Autosomal dominant inheritance. Observed: 1 variant allele, 1 heterozygote.
Comment: This variant causes a C to T nucleotide substitution at the +5 position of intron 35 of the CACNA1S gene. To our knowledge, functional studies have not been reported for this variant. This variant has not been reported in individuals affected with CACNA1S-related disorders in the literature. This variant has not been identified in the general population by the Genome Aggregation Database (gnomAD). The available evidence is insufficient to determine the role of this variant in disease conclusively. Therefore, this variant is classified as a Variant of Uncertain Significance.

This study involves interpretation of variants in research participants for the purpose of population health screening. Participant phenotype was not available at the time of variant classification. Additional details can be found in publication PMID: 35346344, PMCID: PMC8962531

NM_000069.3(CACNA1S):c.4338+5C>T

Gene: CACNA1S (calcium voltage-gated channel subunit alpha1 S; minus strand). Cytogenetic location: 1q32.1.
Variant type: single nucleotide variant.
Coding change: c.4338+5C>T on transcript NM_000069.3 (MANE Select); 5 bases into the intron after coding-DNA position 4338, C replaced by T.
Molecular consequence: intron variant.
Genome position (GRCh38, 1-based): chr1:201,048,998, G>A on the plus strand (C>T on the coding strand, the complement: CACNA1S is on the minus strand). VCF-style: chr1-201048998-G-A. GRCh37 (hg19) VCF-style: chr1-201018126-G-A.
Identifiers: ClinVar variation 3074071 (VCV003074071.1), dbSNP rs1201801880, ClinGen allele CA2825000891.